The following is an entry in ClinVar:

ClinVar aggregate classification (germline): Pathogenic. Review status: criteria provided, multiple submitters, no conflicts (2 of 4 stars). 3 submissions from 3 submitters: Pathogenic (3). Last evaluated 2024-01-02.

Conditions:
CHRNE-related disorder. Also called: CHRNE-related condition.
Congenital myasthenic syndrome 4A. Also called: MYASTHENIC SYNDROME, CONGENITAL, 4A, SLOW-CHANNEL, AUTOSOMAL RECESSIVE; Myasthenic syndrome, congenital, 4a, slow-channel; CONGENITAL MYASTHENIC SYNDROME TYPE Ia1. Identifiers: Orphanet 590, MedGen C4225413, MONDO:0011600, OMIM 605809.
Congenital myasthenic syndrome 4B. Also called: Myasthenic syndrome, congenital, 4b, fast-channel. Identifiers: Orphanet 590, MedGen C4225369, MONDO:0014586, OMIM 616324.
Congenital myasthenic syndrome 4C (CMS4C). Also called: Myasthenic syndrome, congenital, associated with acetylcholine receptor deficiency. Identifiers: Orphanet 590, MedGen C1837091, MONDO:0012157, OMIM 608931.

gnomAD v4.1: 7 of 1,614,070 alleles (0.00043%); highest among the groups gnomAD compares: Non-Finnish European, 0.00059%; no homozygotes.

Submissions (3):

Fulgent Genetics
Classification: Pathogenic for Congenital myasthenic syndrome 4A; Congenital myasthenic syndrome 4C; Congenital myasthenic syndrome 4B. Last evaluated: 2024-01-02. Review status: criteria provided, single submitter. Criteria: ACMG Guidelines, 2015. Collection method: clinical testing. Allele origin: germline.

Labcorp Genetics (formerly Invitae), Labcorp
Classification: Pathogenic for Congenital myasthenic syndrome 4A. Last evaluated: 2022-01-06. Review status: criteria provided, single submitter. Criteria: Invitae Variant Classification Sherloc (09022015). Collection method: clinical testing. Allele origin: germline.
Comment: This sequence change creates a premature translational stop signal (p.Tyr35*) in the CHRNE gene. It is expected to result in an absent or disrupted protein product. Loss-of-function variants in CHRNE are known to be pathogenic (PMID: 22678886). For these reasons, this variant has been classified as Pathogenic. This variant is also known as Y15X. This premature translational stop signal has been observed in individual(s) with autosomal recessive congenital myasthenic syndrome (PMID: 12034803). In at least one individual the data is consistent with being in trans (on the opposite chromosome) from a pathogenic variant. This variant is not present in population databases (gnomAD no frequency).

Blueprint Genetics
Classification: Pathogenic for CHRNE-related disorders. Last evaluated: 2021-04-07. Review status: criteria provided, single submitter. Criteria: ACMG Guidelines, 2015. Collection method: clinical testing. Allele origin: germline. Affected: yes. Observed: 1 variant allele.

Literature cited by the submitters: PubMed 22678886 (cited by Labcorp Genetics (formerly Invitae), Labcorp); PubMed 12034803 (cited by Labcorp Genetics (formerly Invitae), Labcorp).

NM_000080.4(CHRNE):c.105T>A (p.Tyr35Ter)

Genes: C17orf107 (chromosome 17 open reading frame 107; plus strand), CHRNE (cholinergic receptor nicotinic epsilon subunit; minus strand). Cytogenetic location: 17p13.2.
Variant type: single nucleotide variant.
Coding change: c.105T>A on transcript NM_000080.4 (MANE Select); coding-DNA position 105, T replaced by A.
Protein change: p.Tyr35Ter; replaces tyrosine 35 with a stop codon.
Molecular consequence: nonsense. On other transcripts: 3 prime UTR variant (1).
Genome position (GRCh38, 1-based): chr17:4,902,705, A>T on the plus strand (T>A on the coding strand, the complement: CHRNE is on the minus strand). VCF-style: chr17-4902705-A-T. GRCh37 (hg19) VCF-style: chr17-4806000-A-T.
Other names: c.*2172A>T (NM_001145536.2); short protein forms Y35*.
Identifiers: ClinVar variation 1454210 (VCV001454210.10), dbSNP rs2151098928, ClinGen allele CA397307856.